The following is an entry in ClinVar:

ClinVar aggregate classification (germline): Likely pathogenic (1 of 4 stars; one submission).

Conditions:
Hermansky-Pudlak syndrome (HPS). Also called: ALBINISM WITH HEMORRHAGIC DIATHESIS AND PIGMENTED RETICULOENDOTHELIAL CELLS. Identifiers: Orphanet 79430, MedGen C0079504, MONDO:0019312.

Submission:

Women's Health and Genetics/Laboratory Corporation of America, LabCorp
Classification: Likely pathogenic for Hermansky-Pudlak syndrome. Last evaluated: 2024-03-25. Review status: criteria provided, single submitter. Criteria: LabCorp Variant Classification Summary - May 2015. Collection method: clinical testing. Allele origin: germline.
Comment: Variant summary: HPS1 c.2001_2003delinsCCC (p.Leu668Pro) results in a non-conservative amino acid change located in the FUZ/MON1/HPS1, third Longin domain (IPR043970) of the encoded protein sequence. Three of four in-silico tools predict a damaging effect of the variant on protein function. The variant was absent in 248842 control chromosomes (gnomAD). To our knowledge, no occurrence of c.2001_2003delinsCCC in individuals affected with Hermansky-Pudlak Syndrome and no experimental evidence demonstrating its impact on protein function have been reported. However, another variant (c.2003T>C) resulting in the same amino acid change has been determined to be pathogenic. No submitters have cited clinical-significance assessments for this variant to ClinVar. Based on the evidence outlined above, the variant was classified as likely pathogenic.

NM_000195.5(HPS1):c.2001_2003delinsCCC (p.Leu668Pro)

Gene: HPS1 (HPS1 biogenesis of lysosomal organelles complex 3 subunit 1; minus strand). Cytogenetic location: 10q24.2.
Variant type: Indel.
Coding change: c.2001_2003delinsCCC on transcript NM_000195.5 (MANE Select); coding-DNA positions 2001 to 2003, GCT replaced by CCC.
Protein change: p.Leu668Pro; replaces leucine 668 with proline.
Molecular consequence: missense variant.
Genome position (GRCh38, 1-based): chr10:98,417,664-98,417,666, AGC replaced by GGG on the plus strand (GCT replaced by CCC on the coding strand, the reverse complement: HPS1 is on the minus strand). VCF-style: chr10-98417664-AGC-GGG. GRCh37 (hg19) VCF-style: chr10-100177421-AGC-GGG.
Other names: c.1029_1031delinsCCC, p.Leu344Pro (NM_001311345.2, NM_001322487.2, NM_001322489.2); c.2001_2003delinsCCC, p.Leu668Pro (NM_001322476.2, NM_001322477.2); c.1902_1904delinsCCC, p.Leu635Pro (NM_001322478.2, NM_001322479.2); c.1740_1742delinsCCC, p.Leu581Pro (NM_001322480.2, NM_001322481.2); c.1641_1643delinsCCC, p.Leu548Pro (NM_001322482.2); c.1632_1634delinsCCC, p.Leu545Pro (NM_001322483.2, NM_001322484.2); c.1533_1535delinsCCC, p.Leu512Pro (NM_001322485.2); short protein forms L344P, L512P, L545P, L548P, L581P, L635P, L668P.
Identifiers: ClinVar variation 3233780 (VCV003233780.2), dbSNP rs2538722919, ClinGen allele CA2825001735.